The following is an entry in ClinVar:

ClinVar aggregate classification (germline): Uncertain significance. Review status: criteria provided, multiple submitters, no conflicts (2 of 4 stars). 2 submissions from 2 submitters: Uncertain significance (2). Last evaluated 2024-04-22.

Conditions:
Joubert syndrome. Also called: CEREBELLOPARENCHYMAL DISORDER IV; JOUBERT-BOLTSHAUSER SYNDROME; Familial aplasia of the vermis. Identifiers: Orphanet 475, MedGen C5979921, MONDO:0018772.
Orofaciodigital syndrome I (OFD1). Also called: OFDS I; Papillon-Leage and Psaume Syndrome; Oral-Facial-Digital Syndrome Type I. Identifiers: Orphanet 2750, MedGen C1510460, MONDO:0010702, OMIM 311200.
Simpson-Golabi-Behmel syndrome type 2. Identifiers: Orphanet 79022, MedGen C1846175, MONDO:0010265, OMIM 300209.
Joubert syndrome 10 (JBTS10). Identifiers: Orphanet 2754, MedGen C2749019, MONDO:0010431, OMIM 300804.
Retinitis pigmentosa 23 (RP23). Identifiers: Orphanet 791, MedGen C1419610, MONDO:0010320, OMIM 300424.

Allele frequency attached by ClinVar (database versions not stated): gnomAD exomes below 0.00001; TOPMed 0.00001.
gnomAD v4.1: 5 of 1,201,964 alleles (0.00042%); highest among the groups gnomAD compares: Non-Finnish European, 0.00056%; no homozygotes.

Submissions (2):

Labcorp Genetics (formerly Invitae), Labcorp
Classification: Uncertain significance for Orofaciodigital syndrome I; Joubert syndrome. Last evaluated: 2024-04-22. Review status: criteria provided, single submitter. Criteria: Invitae Variant Classification Sherloc (09022015). Collection method: clinical testing. Allele origin: germline.
Comment: This sequence change replaces asparagine, which is neutral and polar, with lysine, which is basic and polar, at codon 465 of the OFD1 protein (p.Asn465Lys). This variant is not present in population databases (gnomAD no frequency). This variant has not been reported in the literature in individuals affected with OFD1-related conditions. Advanced modeling of protein sequence and biophysical properties (such as structural, functional, and spatial information, amino acid conservation, physicochemical variation, residue mobility, and thermodynamic stability) performed at Invitae indicates that this missense variant is not expected to disrupt OFD1 protein function with a negative predictive value of 80%. In summary, the available evidence is currently insufficient to determine the role of this variant in disease. Therefore, it has been classified as a Variant of Uncertain Significance.

Fulgent Genetics
Classification: Uncertain significance for Simpson-Golabi-Behmel syndrome type 2; Retinitis pigmentosa 23; Joubert syndrome 10; Orofaciodigital syndrome I. Last evaluated: 2024-03-26. Review status: criteria provided, single submitter. Criteria: ACMG Guidelines, 2015. Collection method: clinical testing. Allele origin: germline.

NM_003611.3(OFD1):c.1395C>G (p.Asn465Lys)

Gene: OFD1 (OFD1 centriole and centriolar satellite protein; plus strand). Cytogenetic location: Xp22.2.
Variant type: single nucleotide variant.
Coding change: c.1395C>G on transcript NM_003611.3 (MANE Select); coding-DNA position 1395, C replaced by G.
Protein change: p.Asn465Lys; replaces asparagine 465 with lysine.
Molecular consequence: missense variant.
Genome position (GRCh38, 1-based): chrX:13,756,751, C>G. VCF-style: chrX-13756751-C-G. GRCh37 (hg19) VCF-style: chrX-13774870-C-G.
Other names: c.1275C>G, p.Asn425Lys (NM_001330209.2); c.975C>G, p.Asn325Lys (NM_001330210.2); short protein forms N425K, N465K, N325K.
Identifiers: ClinVar variation 2934798 (VCV002934798.4), dbSNP rs1311727007, ClinGen allele CA412342922.